The following is an entry in ClinVar:

ClinVar aggregate classification (germline): Uncertain significance. Review status: criteria provided, multiple submitters, no conflicts (2 of 4 stars). 2 submissions from 2 submitters: Uncertain significance (2). Last evaluated 2024-07-30.

Conditions:
Inborn genetic diseases. Identifiers: MedGen C0950123, MeSH D030342.

Allele frequency attached by ClinVar (database versions not stated): ExAC 0.00001; gnomAD 0.00002; gnomAD exomes 0.00002; TOPMed 0.00002; ESP Exome Variant Server 0.00009.
gnomAD v4.1: 18 of 1,205,295 alleles (0.0015%); highest among the groups gnomAD compares: Non-Finnish European, 0.002%; no homozygotes.

Submissions (2):

Labcorp Genetics (formerly Invitae), Labcorp
Classification: Uncertain significance. Last evaluated: 2024-07-30. Review status: criteria provided, single submitter. Criteria: Invitae Variant Classification Sherloc (09022015). Collection method: clinical testing. Allele origin: germline.
Comment: This sequence change replaces serine, which is neutral and polar, with phenylalanine, which is neutral and non-polar, at codon 928 of the TAF1 protein (p.Ser928Phe). This variant is not present in population databases (gnomAD no frequency). This variant has not been reported in the literature in individuals affected with TAF1-related conditions. ClinVar contains an entry for this variant (Variation ID: 2377932). An algorithm developed to predict the effect of missense changes on protein structure and function (PolyPhen-2) suggests that this variant is likely to be disruptive. In summary, the available evidence is currently insufficient to determine the role of this variant in disease. Therefore, it has been classified as a Variant of Uncertain Significance.

Ambry Genetics
Classification: Uncertain significance for Inborn genetic diseases. Last evaluated: 2022-05-27. Review status: criteria provided, single submitter. Criteria: Ambry Variant Classification Scheme 2023. Collection method: clinical testing. Allele origin: germline.

NM_004606.5(TAF1):c.2723C>T (p.Ser908Phe)

Gene: TAF1 (TATA-box binding protein associated factor 1; plus strand). Cytogenetic location: Xq13.1.
Variant type: single nucleotide variant.
Coding change: c.2723C>T on transcript NM_004606.5 (MANE Select); coding-DNA position 2723, C replaced by T.
Protein change: p.Ser908Phe; replaces serine 908 with phenylalanine.
Molecular consequence: missense variant. On other transcripts: non-coding transcript variant (9).
Genome position (GRCh38, 1-based): chrX:71,389,607, C>T. VCF-style: chrX-71389607-C-T. GRCh37 (hg19) VCF-style: chrX-70609457-C-T.
Other names: c.2723C>T, p.Ser908Phe (NM_001286074.2); c.2660C>T, p.Ser887Phe (NM_138923.4); short protein forms S887F, S908F.
Identifiers: ClinVar variation 2377932 (VCV002377932.4), dbSNP rs143663676, ClinGen allele CA10446924.